The following is an entry in ClinVar:

NM_002874.5(RAD23B):c.371C>T (p.Ala124Val)

Gene: RAD23B (RAD23 nucleotide excision repair protein B; plus strand). Cytogenetic location: 9q31.2.
Variant type: single nucleotide variant.
Coding change: c.371C>T on transcript NM_002874.5 (MANE Select); coding-DNA position 371, C replaced by T.
Protein change: p.Ala124Val; replaces alanine 124 with valine.
Molecular consequence: missense variant.
Genome position (GRCh38, 1-based): chr9:107,306,521, C>T. VCF-style: chr9-107306521-C-T. GRCh37 (hg19) VCF-style: chr9-110068802-C-T.
Other names: c.308C>T, p.Ala103Val (NM_001244713.1); c.155C>T, p.Ala52Val (NM_001244724.2); short protein forms A103V, A124V, A52V.
Identifiers: ClinVar variation 3352331 (VCV003352331.2).

ClinVar aggregate classification (germline): Uncertain significance (1 of 4 stars; one submission).

Conditions:
RAD23B-related disorder. Also called: RAD23B-related condition.

gnomAD v4.1: 774 of 1,614,034 alleles (0.048%); highest among the groups gnomAD compares: Non-Finnish European, 0.064%; 1 homozygote.

Submission:

PreventionGenetics, part of Exact Sciences
Classification: Uncertain significance for RAD23B-related condition. Last evaluated: 2026-05-28. Review status: criteria provided, single submitter. Criteria: ACMG Guidelines, 2015. Collection method: clinical testing. Allele origin: germline.
Comment: The RAD23B c.371C>T variant is predicted to result in the amino acid substitution p.Ala124Val. To our knowledge, this variant has not been reported in the literature. This variant is reported in 0.026% of alleles in individuals of European (Non-Finnish) descent in gnomAD and is classified as uncertain in ClinVar (Variation ID: 3352331). At this time, the clinical significance of this variant is uncertain due to the absence of conclusive functional and genetic evidence.